The following is an entry in ClinVar:

NM_001080517.3(SETD5):c.2671C>T (p.Pro891Ser)

Gene: SETD5 (SET domain containing 5; plus strand). Cytogenetic location: 3p25.3.
Variant type: single nucleotide variant.
Coding change: c.2671C>T on transcript NM_001080517.3 (MANE Select); coding-DNA position 2671, C replaced by T.
Protein change: p.Pro891Ser; replaces proline 891 with serine.
Molecular consequence: missense variant.
Genome position (GRCh38, 1-based): chr3:9,464,619, C>T. VCF-style: chr3-9464619-C-T. GRCh37 (hg19) VCF-style: chr3-9506303-C-T.
Other names: c.2377C>T, p.Pro793Ser (NM_001292043.2, NM_001349451.2); short protein forms P793S, P891S.
Identifiers: ClinVar variation 4072714 (VCV004072714.1).

ClinVar aggregate classification (germline): Uncertain significance (1 of 4 stars; one submission).

gnomAD v4.1: 4 of 1,613,876 alleles (0.00025%); highest among the groups gnomAD compares: Non-Finnish European, 0.00034%; no homozygotes.

Submission:

GeneDx
Classification: Uncertain significance. Last evaluated: 2025-01-30. Review status: criteria provided, single submitter. Criteria: GeneDx Variant Classification Process June 2021. Collection method: clinical testing. Allele origin: germline. Affected: yes.
Comment: In silico analysis supports that this missense variant has a deleterious effect on protein structure/function; Has not been previously published as pathogenic or benign to our knowledge